The following is an entry in ClinVar:

NM_000264.5(PTCH1):c.1628G>T (p.Arg543Leu)

Gene: PTCH1 (patched 1; minus strand). Cytogenetic location: 9q22.32.
Variant type: single nucleotide variant.
Coding change: c.1628G>T on transcript NM_000264.5 (MANE Select); coding-DNA position 1628, G replaced by T.
Protein change: p.Arg543Leu; replaces arginine 543 with leucine.
Molecular consequence: missense variant. On other transcripts: non-coding transcript variant (1).
Genome position (GRCh38, 1-based): chr9:95,476,134, C>A on the plus strand (G>T on the coding strand, the complement: PTCH1 is on the minus strand). VCF-style: chr9-95476134-C-A. GRCh37 (hg19) VCF-style: chr9-98238416-C-A.
Other names: c.1430G>T, p.Arg477Leu (NM_001083602.3); c.1625G>T, p.Arg542Leu (NM_001083603.3); c.1175G>T, p.Arg392Leu (NM_001083604.3, NM_001083605.3, NM_001083606.3 and 1 more transcripts); c.1472G>T, p.Arg491Leu (NM_001354918.2); short protein forms R392L, R543L, R542L, R477L, R491L.
Identifiers: ClinVar variation 4744956 (VCV004744956.1).

ClinVar aggregate classification (germline): Uncertain significance (1 of 4 stars; one submission).

Conditions:
Gorlin syndrome. Also called: Nevoid Basal Cell Carcinoma Syndrome; Basal cell nevus syndrome. Identifiers: Orphanet 377, MedGen C0004779, MONDO:0007187.

Submission:

Labcorp Genetics (formerly Invitae), Labcorp
Classification: Uncertain significance for Gorlin syndrome. Last evaluated: 2025-10-07. Review status: criteria provided, single submitter. Criteria: Invitae Variant Classification Sherloc (09022015). Collection method: clinical testing. Allele origin: germline.
Comment: This sequence change replaces arginine, which is basic and polar, with leucine, which is neutral and non-polar, at codon 543 of the PTCH1 protein (p.Arg543Leu). This variant is not present in population databases (gnomAD no frequency). This variant has not been reported in the literature in individuals affected with PTCH1-related conditions. Invitae Evidence Modeling of protein sequence and biophysical properties (such as structural, functional, and spatial information, amino acid conservation, physicochemical variation, residue mobility, and thermodynamic stability) has been performed for this missense variant. However, the output from this modeling did not meet the statistical confidence thresholds required to predict the impact of this variant on PTCH1 protein function. In summary, the available evidence is currently insufficient to determine the role of this variant in disease. Therefore, it has been classified as a Variant of Uncertain Significance.